The following is an entry in ClinVar:

NM_001364905.1(LRBA):c.5104C>T (p.Pro1702Ser)

Gene: LRBA (LPS responsive beige-like anchor protein; minus strand). Cytogenetic location: 4q31.3.
Variant type: single nucleotide variant.
Coding change: c.5104C>T on transcript NM_001364905.1 (MANE Select); coding-DNA position 5104, C replaced by T.
Protein change: p.Pro1702Ser; replaces proline 1702 with serine.
Molecular consequence: missense variant.
Genome position (GRCh38, 1-based): chr4:150,828,247, G>A on the plus strand (C>T on the coding strand, the complement: LRBA is on the minus strand). VCF-style: chr4-150828247-G-A. GRCh37 (hg19) VCF-style: chr4-151749399-G-A.
Other names: c.5104C>T, p.Pro1702Ser (NM_001199282.3, NM_001367550.1, NM_006726.5); short protein forms P1702S.
Identifiers: ClinVar variation 1025977 (VCV001025977.8), dbSNP rs1245779236, ClinGen allele CA358443589.

ClinVar aggregate classification (germline): Uncertain significance (1 of 4 stars; one submission).

Conditions:
Combined immunodeficiency due to LRBA deficiency. Also called: Common variable immunodeficiency 8, with autoimmunity. Identifiers: Orphanet 445018, MedGen C3553512, MONDO:0013863, OMIM 614700.

Submission:

Labcorp Genetics (formerly Invitae), Labcorp
Classification: Uncertain significance for Combined immunodeficiency due to LRBA deficiency. Last evaluated: 2020-06-18. Review status: criteria provided, single submitter. Criteria: Invitae Variant Classification Sherloc (09022015). Collection method: clinical testing. Allele origin: germline.
Comment: This sequence change replaces proline with serine at codon 1702 of the LRBA protein (p.Pro1702Ser). The proline residue is weakly conserved and there is a moderate physicochemical difference between proline and serine. This variant is not present in population databases (ExAC no frequency). This variant has not been reported in the literature in individuals with LRBA-related conditions. Algorithms developed to predict the effect of missense changes on protein structure and function (SIFT, PolyPhen-2, Align-GVGD) all suggest that this variant is likely to be tolerated, but these predictions have not been confirmed by published functional studies and their clinical significance is uncertain. In summary, the available evidence is currently insufficient to determine the role of this variant in disease. Therefore, it has been classified as a Variant of Uncertain Significance.